The following is an entry in ClinVar:

ClinVar aggregate classification (germline): Uncertain significance. Review status: criteria provided, multiple submitters, no conflicts (2 of 4 stars). 4 submissions from 4 submitters: Uncertain significance (4). Last evaluated 2025-12-15.

Conditions:
Developmental and epileptic encephalopathy, 37 (DEE37). Also called: Epileptic encephalopathy, early infantile, 37. Identifiers: MedGen C4310770, MONDO:0014859, OMIM 616981.
Inborn genetic diseases. Identifiers: MedGen C0950123, MeSH D030342.

Allele frequency attached by ClinVar (database versions not stated): gnomAD 0.00002.

Submissions (4):

Ambry Genetics
Classification: Uncertain significance for Inborn genetic diseases. Last evaluated: 2025-12-15. Review status: criteria provided, single submitter. Criteria: Ambry Variant Classification Scheme 2023. Collection method: clinical testing. Allele origin: germline.

Blueprint Genetics
Classification: Uncertain significance. Last evaluated: 2022-08-04. Review status: criteria provided, single submitter. Criteria: ACMG Guidelines, 2015. Collection method: clinical testing. Allele origin: germline.

GeneDx
Classification: Uncertain significance. Last evaluated: 2022-05-05. Review status: criteria provided, single submitter. Criteria: GeneDx Variant Classification Process June 2021. Collection method: clinical testing. Allele origin: germline. Affected: yes.
Comment: Not observed in large population cohorts (gnomAD); In silico analysis supports that this missense variant does not alter protein structure/function; Has not been previously published as pathogenic or benign to our knowledge

Labcorp Genetics (formerly Invitae), Labcorp
Classification: Uncertain significance for Developmental and epileptic encephalopathy, 37. Last evaluated: 2022-03-29. Review status: criteria provided, single submitter. Criteria: Invitae Variant Classification Sherloc (09022015). Collection method: clinical testing. Allele origin: germline.
Comment: This sequence change replaces serine, which is neutral and polar, with tryptophan, which is neutral and slightly polar, at codon 128 of the FRRS1L protein (p.Ser128Trp). This variant is not present in population databases (gnomAD no frequency). This variant has not been reported in the literature in individuals affected with FRRS1L-related conditions. Algorithms developed to predict the effect of missense changes on protein structure and function are either unavailable or do not agree on the potential impact of this missense change (SIFT: "Deleterious"; PolyPhen-2: "Benign"; Align-GVGD: "Class C0"). In summary, the available evidence is currently insufficient to determine the role of this variant in disease. Therefore, it has been classified as a Variant of Uncertain Significance.

NM_014334.4(FRRS1L):c.230C>G (p.Ser77Trp)

Gene: FRRS1L (ferric chelate reductase 1 like; minus strand). Cytogenetic location: 9q31.3.
Variant type: single nucleotide variant.
Coding change: c.230C>G on transcript NM_014334.4 (MANE Select); coding-DNA position 230, C replaced by G.
Protein change: p.Ser77Trp; replaces serine 77 with tryptophan.
Molecular consequence: missense variant.
Genome position (GRCh38, 1-based): chr9:109,166,909, G>C on the plus strand (C>G on the coding strand, the complement: FRRS1L is on the minus strand). VCF-style: chr9-109166909-G-C. GRCh37 (hg19) VCF-style: chr9-111929189-G-C.
Other names: short protein forms S77W.
Identifiers: ClinVar variation 1683970 (VCV001683970.6), dbSNP rs1172220385, ClinGen allele CA374430228.